The following is an entry in ClinVar:

NM_201631.4(TGM5):c.326C>T (p.Thr109Met)

Gene: TGM5 (transglutaminase 5; minus strand). Cytogenetic location: 15q15.2.
Variant type: single nucleotide variant.
Coding change: c.326C>T on transcript NM_201631.4 (MANE Select); coding-DNA position 326, C replaced by T.
Protein change: p.Thr109Met; replaces threonine 109 with methionine.
Molecular consequence: missense variant. On other transcripts: intron variant (1).
Genome position (GRCh38, 1-based): chr15:43,260,162, G>A on the plus strand (C>T on the coding strand, the complement: TGM5 is on the minus strand). VCF-style: chr15-43260162-G-A. GRCh37 (hg19) VCF-style: chr15-43552360-G-A.
Other names: c.190+238C>T (NM_004245.4); short protein forms T109M.
Identifiers: ClinVar variation 137639 (VCV000137639.11), dbSNP rs113463533, ClinGen allele CA291281.

ClinVar aggregate classification (germline): Benign. Review status: criteria provided, multiple submitters, no conflicts (2 of 4 stars). 4 submissions from 4 submitters: Benign (3). 1 of the submissions does not count toward it. Last evaluated 2019-12-31.

Conditions:
Acral peeling skin syndrome. Also called: Peeling skin syndrome 2. Identifiers: Orphanet 263534, MedGen C1853354, MONDO:0012345, OMIM 609796.

Allele frequency attached by ClinVar (database versions not stated): ESP Exome Variant Server 0.00361; gnomAD 0.00516 and 0.00631; gnomAD exomes 0.00597 and 0.00986; TOPMed 0.00604; ExAC 0.00979; 1000 Genomes Project 30x 0.01858; 1000 Genomes Project 0.02177.
gnomAD v4.1: 9,720 of 1,614,134 alleles (0.6%); highest among the groups gnomAD compares: East Asian, 8.2%; 178 homozygotes.

Submissions (4):

Labcorp Genetics (formerly Invitae), Labcorp
Classification: Benign. Last evaluated: 2019-12-31. Review status: criteria provided, single submitter. Criteria: Invitae Variant Classification Sherloc (09022015). Collection method: clinical testing. Allele origin: germline.

Illumina Laboratory Services, Illumina
Classification: Benign for Acral peeling skin syndrome. Last evaluated: 2018-01-12. Review status: criteria provided, single submitter. Criteria: ICSL Variant Classification Criteria 13 December 2019. Collection method: clinical testing. Allele origin: germline.
Comment: This variant was observed in the ICSL laboratory as part of a predisposition screen in an ostensibly healthy population. It had not been previously curated by ICSL or reported in the Human Gene Mutation Database (HGMD: prior to June 1st, 2018), and was therefore a candidate for classification through an automated scoring system. Utilizing variant allele frequency, disease prevalence and penetrance estimates, and inheritance mode, an automated score was calculated to assess if this variant is too frequent to cause the disease. Based on the score and internal cut-off values, a variant classified as benign is not then subjected to further curation. The score for this variant resulted in a classification of benign for this disease.

Breakthrough Genomics
Classification: Benign. Review status: criteria provided, single submitter. Criteria: ACMG Guidelines, 2015. Collection method: not provided. Allele origin: germline. Inheritance: Autosomal recessive inheritance. Affected: yes.

GeneReviews
No classification provided. Condition: Acral peeling skin syndrome. Review status: no classification provided. Collection method: literature only. Allele origin: germline. Affected: yes. Not counted in ClinVar's aggregate classification.

Literature cited by the submitters: NCBI Bookshelf NBK1369 (cited by GeneReviews).